The following is an entry in ClinVar:

NM_025114.4(CEP290):c.1189+829G>A

Gene: CEP290 (centrosomal protein 290; minus strand). Cytogenetic location: 12q21.32.
Variant type: single nucleotide variant.
Coding change: c.1189+829G>A on transcript NM_025114.4 (MANE Select); 829 bases into the intron after coding-DNA position 1189, G replaced by A.
Molecular consequence: intron variant.
Genome position (GRCh38, 1-based): chr12:88,124,417, C>T on the plus strand (G>A on the coding strand, the complement: CEP290 is on the minus strand). VCF-style: chr12-88124417-C-T. GRCh37 (hg19) VCF-style: chr12-88518194-C-T.
Identifiers: ClinVar variation 4538191 (VCV004538191.1).
Genomic context (GRCh38, chr12:88,124,417, plus strand): 5'-GCTTAGAGCCATCTGCATGTTTCACTCCTTTACTTCCTTTAAGTATTGGTTCAATTATCT[C>T]CTGAGCAAGGCTTTTGCTTCATTTTTGAAATTACAACCGTACCTGCAAACACATCACTAC-3'

ClinVar aggregate classification (germline): Uncertain significance (1 of 4 stars; one submission).

gnomAD v4.1: 5 of 152,160 alleles (0.0033%); highest among the groups gnomAD compares: Middle Eastern, 0.32%; no homozygotes.

Submission:

Greenwood Genetic Center Diagnostic Laboratories, Greenwood Genetic Center
Classification: Uncertain significance. Last evaluated: 2025-04-28. Review status: criteria provided, single submitter. Criteria: ACMG Guidelines, 2015. Collection method: clinical testing. Allele origin: germline. Affected: yes.
Comment: PM3_Supporting, BP4